The following is an entry in ClinVar:

ClinVar aggregate classification (germline): Uncertain significance. Review status: criteria provided, multiple submitters, no conflicts (2 of 4 stars). 2 submissions from 2 submitters: Uncertain significance (2). Last evaluated 2024-11-29.

Allele frequency attached by ClinVar (database versions not stated): TOPMed 0.00003; gnomAD 0.00006; ExAC 0.00007; gnomAD exomes 0.00007 and 0.00012; 1000 Genomes Project 0.00020; 1000 Genomes Project 30x 0.00031.
gnomAD v4.1: 106 of 1,614,152 alleles (0.0066%); highest among the groups gnomAD compares: South Asian, 0.012%; no homozygotes.

Submissions (2):

Labcorp Genetics (formerly Invitae), Labcorp
Classification: Uncertain significance. Last evaluated: 2024-11-29. Review status: criteria provided, single submitter. Criteria: Invitae Variant Classification Sherloc (09022015). Collection method: clinical testing. Allele origin: germline.
Comment: This sequence change replaces glutamine, which is neutral and polar, with lysine, which is basic and polar, at codon 778 of the CEP250 protein (p.Gln778Lys). This variant is present in population databases (rs570637370, gnomAD 0.06%). This variant has not been reported in the literature in individuals affected with CEP250-related conditions. ClinVar contains an entry for this variant (Variation ID: 936145). An algorithm developed to predict the effect of missense changes on protein structure and function (PolyPhen-2) suggests that this variant is likely to be disruptive. In summary, the available evidence is currently insufficient to determine the role of this variant in disease. Therefore, it has been classified as a Variant of Uncertain Significance.

Blueprint Genetics
Classification: Uncertain significance. Last evaluated: 2024-08-13. Review status: criteria provided, single submitter. Criteria: ACMG Guidelines, 2015. Collection method: clinical testing. Allele origin: germline.

NM_007186.6(CEP250):c.2332C>A (p.Gln778Lys)

Genes: CEP250 (centrosomal protein 250; plus strand), CEP250-AS1 (CEP250 antisense RNA 1; minus strand). Cytogenetic location: 20q11.22.
Variant type: single nucleotide variant.
Coding change: c.2332C>A on transcript NM_007186.6 (MANE Select); coding-DNA position 2332, C replaced by A.
Protein change: p.Gln778Lys; replaces glutamine 778 with lysine.
Molecular consequence: missense variant.
Genome position (GRCh38, 1-based): chr20:35,479,689, C>A. VCF-style: chr20-35479689-C-A. GRCh37 (hg19) VCF-style: chr20-34067514-C-A.
Other names: c.436C>A, p.Gln146Lys (NM_001318219.1); short protein forms Q146K, Q778K.
Identifiers: ClinVar variation 936145 (VCV000936145.10), dbSNP rs570637370, ClinGen allele CA9833164.